The following is an entry in ClinVar:

ClinVar aggregate classification (germline): Uncertain significance. Review status: criteria provided, multiple submitters, no conflicts (2 of 4 stars). 2 submissions from 2 submitters: Uncertain significance (2). Last evaluated 2021-12-01.

Conditions:
Severe combined immunodeficiency due to DNA-PKcs deficiency. Also called: IMMUNODEFICIENCY 26 WITH NEUROLOGIC ABNORMALITIES; Immunodeficiency 26 with or without neurologic abnormalities. Identifiers: Orphanet 317425, MedGen C4014833, MONDO:0014423, OMIM 615966.

Allele frequency attached by ClinVar (database versions not stated): gnomAD exomes below 0.00001; TOPMed below 0.00001; ExAC 0.00001; ESP Exome Variant Server 0.00008.
gnomAD v4.1: 2 of 1,605,914 alleles (0.00012%); highest among the groups gnomAD compares: East Asian, 0.0022%; no homozygotes.

Submissions (2):

Ambry Genetics
Classification: Uncertain significance. Last evaluated: 2021-12-01. Review status: criteria provided, single submitter. Criteria: Ambry Variant Classification Scheme 2023. Collection method: clinical testing. Allele origin: germline.
Comment: The p.I1188V variant (also known as c.3562A>G), located in coding exon 30 of the PRKDC gene, results from an A to G substitution at nucleotide position 3562. The isoleucine at codon 1188 is replaced by valine, an amino acid with highly similar properties. This amino acid position is conserved. In addition, this alteration is predicted to be tolerated by in silico analysis. Since supporting evidence is limited at this time, the clinical significance of this alteration remains unclear.

Labcorp Genetics (formerly Invitae), Labcorp
Classification: Uncertain significance for Severe combined immunodeficiency due to DNA-PKcs deficiency. Last evaluated: 2019-09-30. Review status: criteria provided, single submitter. Criteria: Invitae Variant Classification Sherloc (09022015). Collection method: clinical testing. Allele origin: germline.
Comment: In summary, the available evidence is currently insufficient to determine the role of this variant in disease. Therefore, it has been classified as a Variant of Uncertain Significance. Algorithms developed to predict the effect of missense changes on protein structure and function are either unavailable or do not agree on the potential impact of this missense change (SIFT: "Tolerated"; PolyPhen-2: "Not available"; Align-GVGD: "Class C0"). This variant has not been reported in the literature in individuals with PRKDC-related conditions. This variant is present in population databases (rs368586692, ExAC 0.001%). This sequence change replaces isoleucine with valine at codon 1188 of the PRKDC protein (p.Ile1188Val). The isoleucine residue is weakly conserved and there is a small physicochemical difference between isoleucine and valine.

NM_006904.7(PRKDC):c.3562A>G (p.Ile1188Val)

Gene: PRKDC (protein kinase, DNA-activated, catalytic subunit; minus strand). Cytogenetic location: 8q11.21.
Variant type: single nucleotide variant.
Coding change: c.3562A>G on transcript NM_006904.7 (MANE Select); coding-DNA position 3562, A replaced by G.
Protein change: p.Ile1188Val; replaces isoleucine 1188 with valine.
Molecular consequence: missense variant.
Genome position (GRCh38, 1-based): chr8:47,897,197, T>C on the plus strand (A>G on the coding strand, the complement: PRKDC is on the minus strand). VCF-style: chr8-47897197-T-C. GRCh37 (hg19) VCF-style: chr8-48809757-T-C.
Other names: c.3562A>G, p.Ile1188Val (NM_001081640.2); short protein forms I1188V.
Identifiers: ClinVar variation 967951 (VCV000967951.8), dbSNP rs368586692, ClinGen allele CA4741146.